The following is an entry in ClinVar:

ClinVar aggregate classification (germline): Uncertain significance (1 of 4 stars; one submission).

Conditions:
Cardiovascular phenotype. Identifiers: MedGen CN230736.

Submission:

Ambry Genetics
Classification: Uncertain significance for Cardiovascular phenotype. Last evaluated: 2025-10-11. Review status: criteria provided, single submitter. Criteria: Ambry Variant Classification Scheme 2023. Collection method: clinical testing. Allele origin: germline.
Comment: The p.L1687M variant (also known as c.5059C>A), located in coding exon 36 of the ABCA1 gene, results from a C to A substitution at nucleotide position 5059. The leucine at codon 1687 is replaced by methionine, an amino acid with highly similar properties. This amino acid position is conserved. In addition, this alteration is predicted to be tolerated by in silico analysis. Based on the available evidence, the clinical significance of this variant remains unclear.

NM_005502.4(ABCA1):c.5059C>A (p.Leu1687Met)

Gene: ABCA1 (ATP binding cassette subfamily A member 1; minus strand). Cytogenetic location: 9q31.1.
Variant type: single nucleotide variant.
Coding change: c.5059C>A on transcript NM_005502.4 (MANE Select); coding-DNA position 5059, C replaced by A.
Protein change: p.Leu1687Met; replaces leucine 1687 with methionine.
Molecular consequence: missense variant.
Genome position (GRCh38, 1-based): chr9:104,798,483, G>T on the plus strand (C>A on the coding strand, the complement: ABCA1 is on the minus strand). VCF-style: chr9-104798483-G-T. GRCh37 (hg19) VCF-style: chr9-107560764-G-T.
Other names: short protein forms L1687M.
Identifiers: ClinVar variation 4613276 (VCV004613276.1).